The following is an entry in ClinVar:

NM_052867.4(NALCN):c.693A>G (p.Pro231=)

Gene: NALCN (sodium leak channel, non-selective; minus strand). Cytogenetic location: 13q33.1.
Variant type: single nucleotide variant.
Coding change: c.693A>G on transcript NM_052867.4 (MANE Select); coding-DNA position 693, A replaced by G.
Protein change: p.Pro231=; no amino-acid change (proline 231 retained).
Molecular consequence: synonymous variant.
Genome position (GRCh38, 1-based): chr13:101,345,372, T>C on the plus strand (A>G on the coding strand, the complement: NALCN is on the minus strand). VCF-style: chr13-101345372-T-C. GRCh37 (hg19) VCF-style: chr13-101997723-T-C.
Other names: c.693A>G, p.Pro231= (NM_001350748.2, NM_001350749.2, NM_001350750.2 and 1 more transcripts).
Identifiers: ClinVar variation 1211697 (VCV001211697.8), dbSNP rs151026600, ClinGen allele CA7036391.

ClinVar aggregate classification (germline): Likely benign. Review status: criteria provided, multiple submitters, no conflicts (2 of 4 stars). 3 submissions from 3 submitters: Likely benign (2). 1 of the submissions does not count toward it. Last evaluated 2024-07-11.

Conditions:
NALCN-related disorder. Also called: NALCN-related condition; NALCN-related disorders.

Allele frequency attached by ClinVar (database versions not stated): gnomAD exomes 0.00001 and 0.00007; ExAC 0.00011; 1000 Genomes Project 30x 0.00016; 1000 Genomes Project 0.00020; gnomAD 0.00024 and 0.00025; TOPMed 0.00029; ESP Exome Variant Server 0.00038.
gnomAD v4.1: 58 of 1,613,842 alleles (0.0036%); highest among the groups gnomAD compares: African/African-American, 0.071%; no homozygotes.

Submissions (3):

Labcorp Genetics (formerly Invitae), Labcorp
Classification: Likely benign. Last evaluated: 2024-07-11. Review status: criteria provided, single submitter. Criteria: Invitae Variant Classification Sherloc (09022015). Collection method: clinical testing. Allele origin: germline.

GeneDx
Classification: Likely benign. Last evaluated: 2021-03-16. Review status: criteria provided, single submitter. Criteria: GeneDx Variant Classification Process June 2021. Collection method: clinical testing. Allele origin: germline. Affected: yes.

PreventionGenetics, part of Exact Sciences
Classification: Likely benign for NALCN-related condition. Last evaluated: 2019-09-17. Review status: no assertion criteria provided. Collection method: clinical testing. Allele origin: germline. Not counted in ClinVar's aggregate classification.
Comment: This variant is classified as likely benign based on ACMG/AMP sequence variant interpretation guidelines (Richards et al. 2015 PMID: 25741868, with internal and published modifications).